The following is an entry in ClinVar:

NM_130797.4(DPP6):c.2332G>A (p.Ala778Thr)

Gene: DPP6 (dipeptidyl peptidase like 6; plus strand). Cytogenetic location: 7q36.2.
Variant type: single nucleotide variant.
Coding change: c.2332G>A on transcript NM_130797.4 (MANE Select); coding-DNA position 2332, G replaced by A.
Protein change: p.Ala778Thr; replaces alanine 778 with threonine.
Molecular consequence: missense variant. On other transcripts: non-coding transcript variant (2).
Genome position (GRCh38, 1-based): chr7:154,889,299, G>A. VCF-style: chr7-154889299-G-A. GRCh37 (hg19) VCF-style: chr7-154681009-G-A.
Other names: c.2140G>A, p.Ala714Thr (NM_001039350.3); c.2011G>A, p.Ala671Thr (NM_001290252.2); c.2149G>A, p.Ala717Thr (NM_001364497.2, NM_001364498.2, NM_001364499.2 and 1 more transcripts); c.2146G>A, p.Ala716Thr (NM_001936.5); short protein forms A671T, A714T, A716T, A717T, A778T.
Identifiers: ClinVar variation 3038014 (VCV003038014.2), dbSNP rs188276022, ClinGen allele CA4583918.

ClinVar aggregate classification (germline): Likely benign (0 of 4 stars; one submission).

Conditions:
DPP6-related disorder. Also called: DPP6-related condition.

Allele frequency attached by ClinVar (database versions not stated): 1000 Genomes Project 30x 0.00078; 1000 Genomes Project 0.00100; gnomAD 0.00126; TOPMed 0.00134; ExAC 0.00154; gnomAD exomes 0.00178; ESP Exome Variant Server 0.00193.
gnomAD v4.1: 2,800 of 1,612,960 alleles (0.17%); highest among the groups gnomAD compares: Non-Finnish European, 0.2%; 14 homozygotes.

Submission:

PreventionGenetics, part of Exact Sciences
Classification: Likely benign for DPP6-related condition. Last evaluated: 2019-05-06. Review status: no assertion criteria provided. Collection method: clinical testing. Allele origin: germline.
Comment: This variant is classified as likely benign based on ACMG/AMP sequence variant interpretation guidelines (Richards et al. 2015 PMID: 25741868, with internal and published modifications).